The following is an entry in ClinVar:

NM_138395.4(MARS2):c.13T>A (p.Ser5Thr)

Genes: MARS2 (methionyl-tRNA synthetase 2, mitochondrial; plus strand), LOC129935364 (ATAC-STARR-seq lymphoblastoid silent region 12216; plus strand). Cytogenetic location: 2q33.1.
Variant type: single nucleotide variant.
Coding change: c.13T>A on transcript NM_138395.4 (MANE Select); coding-DNA position 13, T replaced by A.
Protein change: p.Ser5Thr; replaces serine 5 with threonine.
Molecular consequence: missense variant.
Genome position (GRCh38, 1-based): chr2:197,705,418, T>A. VCF-style: chr2-197705418-T-A. GRCh37 (hg19) VCF-style: chr2-198570142-T-A.
Other names: c.13T>A (NM_138395.3); short protein forms S5T.
Identifiers: ClinVar variation 1910254 (VCV001910254.7), dbSNP rs752435067, ClinGen allele CA2044489.
Genomic context (GRCh38, chr2:197,705,418, plus strand): 5'-CACGTGCTGTCAGAACGCCGCCTCCTCCGCTTGCGGCCGGTCTGCACCATGCTGCGAACG[T>A]CCGTCCTCCGCCTGCTAGGACGCACGGGGGCTAGTAGGCTGTCTCTCCTGGAGGACTTCG-3'
Protein context (NP_612404.1, residues 1-15): MLRT[Ser5Thr]VLRLLGRTGA

ClinVar aggregate classification (germline): Uncertain significance. Review status: criteria provided, multiple submitters, no conflicts (2 of 4 stars). 2 submissions from 2 submitters: Uncertain significance (2). Last evaluated 2024-10-25.

Allele frequency attached by ClinVar (database versions not stated): ExAC 0.00004; gnomAD 0.00012; TOPMed 0.00021.
gnomAD v4.1: 31 of 1,610,130 alleles (0.0019%); highest among the groups gnomAD compares: African/African-American, 0.033%; no homozygotes.

Submissions (2):

Ambry Genetics
Classification: Uncertain significance. Last evaluated: 2024-10-25. Review status: criteria provided, single submitter. Criteria: Ambry Variant Classification Scheme 2023. Collection method: clinical testing. Allele origin: germline.

Labcorp Genetics (formerly Invitae), Labcorp
Classification: Uncertain significance. Last evaluated: 2023-04-25. Review status: criteria provided, single submitter. Criteria: Invitae Variant Classification Sherloc (09022015). Collection method: clinical testing. Allele origin: germline.
Comment: In summary, the available evidence is currently insufficient to determine the role of this variant in disease. Therefore, it has been classified as a Variant of Uncertain Significance. An algorithm developed to predict the effect of missense changes on protein structure and function (PolyPhen-2) suggests that this variant is likely to be tolerated. ClinVar contains an entry for this variant (Variation ID: 1910254). This variant has not been reported in the literature in individuals affected with MARS2-related conditions. This variant is present in population databases (rs752435067, gnomAD 0.02%). This sequence change replaces serine, which is neutral and polar, with threonine, which is neutral and polar, at codon 5 of the MARS2 protein (p.Ser5Thr).